The following is an entry in ClinVar:

NM_144701.3(IL23R):c.323A>G (p.His108Arg)

Gene: IL23R (interleukin 23 receptor; plus strand). Cytogenetic location: 1p31.3.
Variant type: single nucleotide variant.
Coding change: c.323A>G on transcript NM_144701.3 (MANE Select); coding-DNA position 323, A replaced by G.
Protein change: p.His108Arg; replaces histidine 108 with arginine.
Molecular consequence: missense variant.
Genome position (GRCh38, 1-based): chr1:67,169,594, A>G. VCF-style: chr1-67169594-A-G. GRCh37 (hg19) VCF-style: chr1-67635277-A-G.
Other names: short protein forms H108R.
Identifiers: ClinVar variation 2812072 (VCV002812072.3), dbSNP rs1646916754, ClinGen allele CA340732664.

ClinVar aggregate classification (germline): Uncertain significance (1 of 4 stars; one submission).

Allele frequency attached by ClinVar (database versions not stated): gnomAD exomes below 0.00001; TOPMed below 0.00001.
gnomAD v4.1: 1 of 1,614,164 alleles (0.000062%); highest among the groups gnomAD compares: South Asian, 0.0011%; no homozygotes.

Submission:

Labcorp Genetics (formerly Invitae), Labcorp
Classification: Uncertain significance. Last evaluated: 2023-11-12. Review status: criteria provided, single submitter. Criteria: Invitae Variant Classification Sherloc (09022015). Collection method: clinical testing. Allele origin: germline.
Comment: This sequence change replaces histidine, which is basic and polar, with arginine, which is basic and polar, at codon 108 of the IL23R protein (p.His108Arg). This variant is not present in population databases (gnomAD no frequency). This variant has not been reported in the literature in individuals affected with IL23R-related conditions. Algorithms developed to predict the effect of missense changes on protein structure and function output the following: SIFT: "Not Available"; PolyPhen-2: "Possibly Damaging"; Align-GVGD: "Not Available". The arginine amino acid residue is found in multiple mammalian species, which suggests that this missense change does not adversely affect protein function. In summary, the available evidence is currently insufficient to determine the role of this variant in disease. Therefore, it has been classified as a Variant of Uncertain Significance.